The following is an entry in ClinVar:

ClinVar aggregate classification (germline): Uncertain significance (1 of 4 stars; one submission).

Conditions:
Familial thoracic aortic aneurysm and aortic dissection (TAAD). Also called: Thoracic aortic aneurysms and dissections. Identifiers: Orphanet 91387, MedGen C4707243, MONDO:0019625.

gnomAD v4.1: 1 of 1,614,246 alleles (0.000062%); highest among the groups gnomAD compares: Non-Finnish European, 0.000085%; no homozygotes.

Submission:

Labcorp Genetics (formerly Invitae), Labcorp
Classification: Uncertain significance for Familial thoracic aortic aneurysm and aortic dissection. Last evaluated: 2025-11-23. Review status: criteria provided, single submitter. Criteria: Invitae Variant Classification Sherloc (09022015). Collection method: clinical testing. Allele origin: germline.
Comment: This sequence change replaces valine, which is neutral and non-polar, with leucine, which is neutral and non-polar, at codon 491 of the TGFBR2 protein (p.Val491Leu). This variant is not present in population databases (gnomAD no frequency). This variant has not been reported in the literature in individuals affected with TGFBR2-related conditions. Invitae Evidence Modeling of protein sequence and biophysical properties (such as structural, functional, and spatial information, amino acid conservation, physicochemical variation, residue mobility, and thermodynamic stability) has been performed for this missense variant. However, the output from this modeling did not meet the statistical confidence thresholds required to predict the impact of this variant on TGFBR2 protein function. In summary, the available evidence is currently insufficient to determine the role of this variant in disease. Therefore, it has been classified as a Variant of Uncertain Significance.

NM_003242.6(TGFBR2):c.1471G>T (p.Val491Leu)

Gene: TGFBR2 (transforming growth factor beta receptor 2; plus strand). Cytogenetic location: 3p24.1.
Variant type: single nucleotide variant.
Coding change: c.1471G>T on transcript NM_003242.6 (MANE Select); coding-DNA position 1471, G replaced by T.
Protein change: p.Val491Leu; replaces valine 491 with leucine.
Molecular consequence: missense variant.
Genome position (GRCh38, 1-based): chr3:30,688,458, G>T. VCF-style: chr3-30688458-G-T. GRCh37 (hg19) VCF-style: chr3-30729950-G-T.
Other names: c.1546G>T, p.Val516Leu (NM_001024847.3); c.1654G>T, p.Val552Leu (NM_001407126.1); c.1579G>T, p.Val527Leu (NM_001407127.1); c.1498G>T, p.Val500Leu (NM_001407128.1); c.1474G>T, p.Val492Leu (NM_001407129.1); c.1468G>T, p.Val490Leu (NM_001407130.1); c.1366G>T, p.Val456Leu (NM_001407132.1, NM_001407133.1, NM_001407134.1 and 2 more transcripts); c.1186G>T, p.Val396Leu (NM_001407137.1); and 2 more; short protein forms V396L, V491L, V552L, V456L, V492L, V500L, V371L, V201L.
Identifiers: ClinVar variation 4690499 (VCV004690499.1).